The following is an entry in ClinVar:

ClinVar aggregate classification (germline): Uncertain significance (1 of 4 stars; one submission).

Conditions:
Familial infantile myasthenia (CMS6). Also called: Congenital myasthenic syndrome type 6; MYASTHENIC SYNDROME, PRESYNAPTIC, CONGENITAL, ASSOCIATED WITH EPISODIC APNEA; MYASTHENIC SYNDROME, CONGENITAL, 6, PRESYNAPTIC. Identifiers: Orphanet 590, MedGen C0393929, MONDO:0009689, OMIM 254210.

Submission:

Labcorp Genetics (formerly Invitae), Labcorp
Classification: Uncertain significance for Familial infantile myasthenia. Last evaluated: 2020-02-20. Review status: criteria provided, single submitter. Criteria: Invitae Variant Classification Sherloc (09022015). Collection method: clinical testing. Allele origin: germline.
Comment: Algorithms developed to predict the effect of missense changes on protein structure and function are either unavailable or do not agree on the potential impact of this missense change (SIFT: "Deleterious"; PolyPhen-2: "Probably Damaging"; Align-GVGD: "Class C0"). In summary, the available evidence is currently insufficient to determine the role of this variant in disease. Therefore, it has been classified as a Variant of Uncertain Significance. This variant has not been reported in the literature in individuals with CHAT-related conditions. This variant is not present in population databases (ExAC no frequency). This sequence change replaces leucine with phenylalanine at codon 655 of the CHAT protein (p.Leu655Phe). The leucine residue is highly conserved and there is a small physicochemical difference between leucine and phenylalanine.

NM_020549.5(CHAT):c.1963C>T (p.Leu655Phe)

Gene: CHAT (choline O-acetyltransferase; plus strand). Cytogenetic location: 10q11.23.
Variant type: single nucleotide variant.
Coding change: c.1963C>T on transcript NM_020549.5 (MANE Select); coding-DNA position 1963, C replaced by T.
Protein change: p.Leu655Phe; replaces leucine 655 with phenylalanine.
Molecular consequence: missense variant.
Genome position (GRCh38, 1-based): chr10:49,662,768, C>T. VCF-style: chr10-49662768-C-T. GRCh37 (hg19) VCF-style: chr10-50870814-C-T.
Other names: c.1609C>T, p.Leu537Phe (NM_001142929.2, NM_001142934.2, NM_020984.4 and 2 more transcripts); c.1717C>T, p.Leu573Phe (NM_001142933.2); short protein forms L537F, L573F, L655F.
Identifiers: ClinVar variation 858363 (VCV000858363.10), dbSNP rs1394460049, ClinGen allele CA376711774.